The following is an entry in ClinVar:

NM_183381.3(RNF13):c.950_951del (p.Ser317fs)

Gene: RNF13 (ring finger protein 13; plus strand). Cytogenetic location: 3q25.1.
Variant type: Deletion.
Coding change: c.950_951del on transcript NM_183381.3 (MANE Select); coding-DNA positions 950 to 951, 2 bases deleted (CT; older notation c.950_951delCT).
Protein change: p.Ser317fs; shifts the reading frame from serine 317.
Molecular consequence: frameshift variant. On other transcripts: non-coding transcript variant (1).
Genome position (GRCh38, 1-based): chr3:149,960,908-149,960,909, CT deleted; deleting any 2 consecutive bases within chr3:149,960,907-149,960,909 gives the same sequence; the c. name uses the placement nearest the transcript's 3' end. VCF-style (leftmost placement, unchanged base first): chr3-149960906-TTC-T. GRCh37 (hg19) VCF-style: chr3-149678693-TTC-T.
Other names: c.950_951del, p.Ser317fs (NM_001378285.1, NM_001378286.1, NM_007282.4); c.593_594del, p.Ser198fs (NM_001378287.1, NM_001378288.1, NM_001378289.1 and 2 more transcripts); c.557_558del, p.Ser186fs (NM_001378291.1); short protein forms S186fs, S198fs, S317fs.
Identifiers: ClinVar variation 1297471 (VCV001297471.1), dbSNP rs2108622490, ClinGen allele CA2499216562.

ClinVar aggregate classification (germline): Uncertain significance (1 of 4 stars; one submission).

Conditions:
Developmental and epileptic encephalopathy, 73. Also called: EPILEPTIC ENCEPHALOPATHY, EARLY INFANTILE, 73; Rnf13-related severe early-onset epileptic encephalopathy. Identifiers: Orphanet 544503, MedGen C5193065, MONDO:0034106, OMIM 618379.

Submission:

Breda Genetics srl
Classification: Uncertain significance for Developmental and epileptic encephalopathy, 73. Last evaluated: 2021-09-03. Review status: criteria provided, single submitter. Criteria: ACMG Guidelines, 2015. Collection method: clinical testing. Allele origin: germline. Inheritance: Autosomal dominant inheritance. Affected: yes. Observed: 1 variant allele, 1 heterozygote.
Comment: The variant c.950_951del (p.Ser317Cysfs*25) creates a shift in the reading frame which is predicted to result in a premature stop codon 25 amino acids downstream, which is likely to result in a truncated protein or protein loss due to nonsense-mediated messenger decay (NMD). This variant has not been reported in dbSNP, gnomAD, 1000 Genomes Project or ClinVar. To our best knowledge, all mutations reported so far are missense mutations, which act through a gain-of-function mechanism, while in no patient have loss-of-function mutations been described (PMID: 30595371). For these reasons, we interpret the variant at least as uncertain, even if we cannot exclude the possibility that variants loss-of-function in the RNF13 gene, such as that identified in the patient, may cause a clinical picture different from that known to date of developmental epileptic encephalopathy 73 (phenotype expansion).